The following is an entry in ClinVar:

ClinVar aggregate classification (germline): Uncertain significance (1 of 4 stars; one submission).

Submission:

Ambry Genetics
Classification: Uncertain significance. Last evaluated: 2025-10-26. Review status: criteria provided, single submitter. Criteria: Ambry Variant Classification Scheme 2023. Collection method: clinical testing. Allele origin: germline.
Comment: The p.S279C variant (also known as c.835A>T), located in coding exon 4 of the GFI1 gene, results from an A to T substitution at nucleotide position 835. The serine at codon 279 is replaced by cysteine, an amino acid with dissimilar properties. This amino acid position is conserved. In addition, this alteration is predicted to be tolerated by in silico analysis. Based on the available evidence, the clinical significance of this variant remains unclear.

NM_005263.5(GFI1):c.835A>T (p.Ser279Cys)

Gene: GFI1 (growth factor independent 1 transcriptional repressor; minus strand). Cytogenetic location: 1p22.1.
Variant type: single nucleotide variant.
Coding change: c.835A>T on transcript NM_005263.5 (MANE Select); coding-DNA position 835, A replaced by T.
Protein change: p.Ser279Cys; replaces serine 279 with cysteine.
Molecular consequence: missense variant.
Genome position (GRCh38, 1-based): chr1:92,480,437, T>A on the plus strand (A>T on the coding strand, the complement: GFI1 is on the minus strand). VCF-style: chr1-92480437-T-A. GRCh37 (hg19) VCF-style: chr1-92945994-T-A.
Other names: c.835A>T, p.Ser279Cys (NM_001127215.3, NM_001127216.3); short protein forms S279C.
Identifiers: ClinVar variation 4671583 (VCV004671583.1).
Genomic context (GRCh38, chr1:92,480,437, plus strand): 5'-GGCTCACCGCGTGCCCGAAGGTCTTGCCGCACATCTCGCAGGCAAAGGGTCTGGTACCGC[T>A]GTGGGACCTGCGCACGTGCACCTCGAGCCCGTGCGGCGTGGAGAACACCTAAGGCGGGTG-3'
Protein context (NP_005254.2, residues 269-289): GLEVHVRRSH[Ser279Cys]GTRPFACEMC